The following is an entry in ClinVar:

NM_173602.3(DIP2B):c.2553_2554del (p.Ser852fs)

Gene: DIP2B (DIP2 acetate--CoA ligase B (putative); plus strand). Cytogenetic location: 12q13.12.
Variant type: Microsatellite.
Coding change: c.2553_2554del on transcript NM_173602.3 (MANE Select); coding-DNA positions 2553 to 2554, 2 bases deleted (GT; older notation c.2553_2554delGT).
Protein change: p.Ser852fs; shifts the reading frame from serine 852.
Molecular consequence: frameshift variant.
Genome position (GRCh38, 1-based): chr12:50,708,466-50,708,467, GT deleted; deleting any 2 consecutive bases within chr12:50,708,463-50,708,467 gives the same sequence; the c. name uses the placement nearest the transcript's 3' end. VCF-style (leftmost placement, unchanged base first): chr12-50708462-CTG-C. GRCh37 (hg19) VCF-style: chr12-51102245-CTG-C.
Other names: c.2553_2554delGT (NM_173602.3); short protein forms S852fs.
Identifiers: ClinVar variation 3054770 (VCV003054770.4), dbSNP rs1328625272, ClinGen allele CA689693288.

ClinVar aggregate classification (germline): Uncertain significance. Review status: criteria provided, multiple submitters, no conflicts (2 of 4 stars). 2 submissions from 2 submitters: Uncertain significance (2). Last evaluated 2025-03-04.

Conditions:
DIP2B-related disorder. Also called: DIP2B-related condition.

Submissions (2):

PreventionGenetics, part of Exact Sciences
Classification: Uncertain significance for DIP2B-related condition. Last evaluated: 2025-03-04. Review status: criteria provided, single submitter. Criteria: ACMG Guidelines, 2015. Collection method: clinical testing. Allele origin: germline.
Comment: The DIP2B c.2553_2554delGT variant is predicted to result in a frameshift and premature protein termination (p.Ser852Cysfs*4). To our knowledge, this variant has not been reported in the literature or in a large population database, indicating this variant is rare. Loss of function is not a conclusively established mechanism for DIP2B-related disease, and only two protein truncating variants have been reported to date (Human Gene Mutation Database). At this time, the clinical significance of this variant is uncertain due to the absence of conclusive functional and genetic evidence.

Women's Health and Genetics/Laboratory Corporation of America, LabCorp
Classification: Uncertain significance. Last evaluated: 2024-07-01. Review status: criteria provided, single submitter. Criteria: LabCorp Variant Classification Summary - May 2015. Collection method: clinical testing. Allele origin: germline.
Comment: Variant summary: DIP2B c.2553_2554delGT (p.Ser852CysfsX4) results in a premature termination codon, predicted to cause a truncation of the encoded protein or absence of the protein due to nonsense mediated decay, however the molecular mechanism of disease attributed to DIP2B is gain-of-function. The frequency data for this variant in gnomAD is considered unreliable, as metrics indicate poor data quality at this position. To our knowledge, no occurrence of c.2553_2554delGT in individuals affected with Intellectual Disability, FRA12A Type and no experimental evidence demonstrating its impact on protein function have been reported. ClinVar contains an entry for this variant (Variation ID: 3054770). Based on the evidence outlined above, the variant was classified as uncertain significance.